The following is an entry in ClinVar:

ClinVar aggregate classification (germline): Likely benign (0 of 4 stars; one submission).

Conditions:
PHACTR1-related disorder. Also called: PHACTR1-related condition.

Allele frequency attached by ClinVar (database versions not stated): ExAC 0.00003; gnomAD 0.00005; TOPMed 0.00006; gnomAD exomes 0.00008.
gnomAD v4.1: 131 of 1,612,830 alleles (0.0081%); highest among the groups gnomAD compares: East Asian, 0.011%; no homozygotes.

Submission:

PreventionGenetics, part of Exact Sciences
Classification: Likely benign for PHACTR1-related condition. Last evaluated: 2019-07-19. Review status: no assertion criteria provided. Collection method: clinical testing. Allele origin: germline.
Comment: This variant is classified as likely benign based on ACMG/AMP sequence variant interpretation guidelines (Richards et al. 2015 PMID: 25741868, with internal and published modifications).

NM_030948.6(PHACTR1):c.1215C>T (p.Asp405=)

Gene: PHACTR1 (phosphatase and actin regulator 1; plus strand). Cytogenetic location: 6p24.1.
Variant type: single nucleotide variant.
Coding change: c.1215C>T on transcript NM_030948.6 (MANE Select); coding-DNA position 1215, C replaced by T.
Protein change: p.Asp405=; no amino-acid change (aspartic acid 405 retained).
Molecular consequence: synonymous variant.
Genome position (GRCh38, 1-based): chr6:13,228,044, C>T. VCF-style: chr6-13228044-C-T. GRCh37 (hg19) VCF-style: chr6-13228276-C-T.
Other names: c.1215C>T, p.Asp405= (NM_001242648.4, NM_001322308.3, NM_001322309.3 and 1 more transcripts); c.1422C>T, p.Asp474= (NM_001322310.2, NM_001374582.1); c.939C>T, p.Asp313= (NM_001322311.2, NM_001322312.3, NM_001374583.2); c.1146C>T, p.Asp382= (NM_001322313.2); c.1425C>T, p.Asp475= (NM_001322314.4).
Identifiers: ClinVar variation 3049490 (VCV003049490.2), dbSNP rs774700729, ClinGen allele CA3639263.